The following is an entry in ClinVar:

NM_172245.4(CSF2RA):c.43C>T (p.His15Tyr)

Gene: CSF2RA (colony stimulating factor 2 receptor subunit alpha; plus strand). Cytogenetic location: Xp22.33.
Variant type: single nucleotide variant.
Coding change: c.43C>T on transcript NM_172245.4 (MANE Select); coding-DNA position 43, C replaced by T.
Protein change: p.His15Tyr; replaces histidine 15 with tyrosine.
Molecular consequence: missense variant. On other transcripts: 5 prime UTR variant (1), non-coding transcript variant (1).
Genome position (GRCh38, 1-based): chrX:1,282,746, C>T. VCF-style: chrX-1282746-C-T. GRCh37 (hg19) VCF-style: chrX-1401639-C-T.
Other names: c.43C>T, p.His15Tyr (NM_001379153.1, NM_001379154.1, NM_001379155.1 and 20 more transcripts); c.-214C>T (NM_001161532.2); short protein forms H15Y.
Identifiers: ClinVar variation 1062514 (VCV001062514.9), dbSNP rs760312267, ClinGen allele CA10330610.

ClinVar aggregate classification (germline): Uncertain significance (1 of 4 stars; one submission).

Conditions:
Surfactant metabolism dysfunction, pulmonary, 4 (SMDP4). Also called: PAP DUE TO CSF2RA DEFICIENCY; CSF2RA DEFICIENCY; PULMONARY ALVEOLAR PROTEINOSIS, CONGENITAL, 4. Identifiers: Orphanet 264675, MedGen C2677877, MONDO:0010424, OMIM 300770.

Allele frequency attached by ClinVar (database versions not stated): gnomAD exomes below 0.00001; TOPMed below 0.00001; ExAC 0.00001.
gnomAD v4.1: 1 of 1,613,910 alleles (0.000062%); highest among the groups gnomAD compares: Non-Finnish European, 0.000085%; no homozygotes.

Submission:

Labcorp Genetics (formerly Invitae), Labcorp
Classification: Uncertain significance for Surfactant metabolism dysfunction, pulmonary, 4. Last evaluated: 2021-03-05. Review status: criteria provided, single submitter. Criteria: Invitae Variant Classification Sherloc (09022015). Collection method: clinical testing. Allele origin: germline.
Comment: This sequence change replaces histidine with tyrosine at codon 15 of the CSF2RA protein (p.His15Tyr). The histidine residue is weakly conserved and there is a moderate physicochemical difference between histidine and tyrosine. This variant is present in population databases (rs760312267, ExAC 0.001%). This variant has not been reported in the literature in individuals with CSF2RA-related conditions. Algorithms developed to predict the effect of missense changes on protein structure and function (SIFT, PolyPhen-2, Align-GVGD) all suggest that this variant is likely to be tolerated, but these predictions have not been confirmed by published functional studies and their clinical significance is uncertain. In summary, the available evidence is currently insufficient to determine the role of this variant in disease. Therefore, it has been classified as a Variant of Uncertain Significance.